The following is an entry in ClinVar:

ClinVar aggregate classification (germline): Uncertain significance (1 of 4 stars; one submission).

gnomAD v4.1: 2 of 1,614,158 alleles (0.00012%); highest among the groups gnomAD compares: Non-Finnish European, 0.00017%; no homozygotes.

Submission:

Women's Health and Genetics/Laboratory Corporation of America, LabCorp
Classification: Uncertain significance. Last evaluated: 2024-09-11. Review status: criteria provided, single submitter. Criteria: LabCorp Variant Classification Summary - May 2015. Collection method: clinical testing. Allele origin: germline.
Comment: Variant summary: HCN4 c.1640C>T (p.Thr547Ile) results in a non-conservative amino acid change in the encoded protein sequence. Three of five in-silico tools predict a benign effect of the variant on protein function. The variant was absent in 251440 control chromosomes. The available data on variant occurrences in the general population are insufficient to allow any conclusion about variant significance. To our knowledge, no occurrence of c.1640C>T in individuals affected with Sick Sinus Syndrome 2 and no experimental evidence demonstrating its impact on protein function have been reported. No submitters have cited clinical-significance assessments for this variant to ClinVar. Based on the evidence outlined above, the variant was classified as uncertain significance.

NM_005477.3(HCN4):c.1640C>T (p.Thr547Ile)

Gene: HCN4 (hyperpolarization activated cyclic nucleotide gated potassium channel 4; minus strand). Cytogenetic location: 15q24.1.
Variant type: single nucleotide variant.
Coding change: c.1640C>T on transcript NM_005477.3 (MANE Select); coding-DNA position 1640, C replaced by T.
Protein change: p.Thr547Ile; replaces threonine 547 with isoleucine.
Molecular consequence: missense variant.
Genome position (GRCh38, 1-based): chr15:73,325,395, G>A on the plus strand (C>T on the coding strand, the complement: HCN4 is on the minus strand). VCF-style: chr15-73325395-G-A. GRCh37 (hg19) VCF-style: chr15-73617736-G-A.
Other names: short protein forms T547I.
Identifiers: ClinVar variation 3374867 (VCV003374867.1).
Genomic context (GRCh38, chr15:73,325,395, plus strand): 5'-TCCTCGTCGAACATCTTGCCCTGGTAGCGGTGCTCGTAGTAGTCGTGGATGCGCTGCCGG[G>A]TGTCGGGCGGGAGCTTGTGAAAGGACATGTACTGCTCCACCTGCTTGTACTGAGGCCGGG-3'
Protein context (NP_005468.1, residues 537-557): YMSFHKLPPD[Thr547Ile]RQRIHDYYEH